The following is an entry in ClinVar:

NM_181078.3(IL21R):c.1021G>A (p.Val341Met)

Genes: IL21R (interleukin 21 receptor; plus strand), IL21R-AS1 (IL21R antisense RNA 1; minus strand), LOC130058712 (ATAC-STARR-seq lymphoblastoid active region 10626; plus strand). Cytogenetic location: 16p12.1.
Variant type: single nucleotide variant.
Coding change: c.1021G>A on transcript NM_181078.3 (MANE Select); coding-DNA position 1021, G replaced by A.
Protein change: p.Val341Met; replaces valine 341 with methionine.
Molecular consequence: missense variant. On other transcripts: non-coding transcript variant (1).
Genome position (GRCh38, 1-based): chr16:27,448,687, G>A. VCF-style: chr16-27448687-G-A. GRCh37 (hg19) VCF-style: chr16-27460008-G-A.
Other names: c.1021G>A, p.Val341Met (NM_021798.4); c.1087G>A, p.Val363Met (NM_181079.5); short protein forms V341M, V363M.
Identifiers: ClinVar variation 862054 (VCV000862054.8), dbSNP rs1017631687, ClinGen allele CA279702026.

ClinVar aggregate classification (germline): Uncertain significance (1 of 4 stars; one submission).

Conditions:
Cryptosporidiosis-chronic cholangitis-liver disease syndrome. Also called: Immunodeficiency type 56; IL21R immunodeficiency. Identifiers: Orphanet 357329, MedGen C3554687, MONDO:0014082, OMIM 615207.

Allele frequency attached by ClinVar (database versions not stated): gnomAD 0.00001; TOPMed 0.00003.
gnomAD v4.1: 42 of 1,613,142 alleles (0.0026%); highest among the groups gnomAD compares: Non-Finnish European, 0.0035%; no homozygotes.

Submission:

Labcorp Genetics (formerly Invitae), Labcorp
Classification: Uncertain significance for Cryptosporidiosis-chronic cholangitis-liver disease syndrome. Last evaluated: 2025-02-03. Review status: criteria provided, single submitter. Criteria: Invitae Variant Classification Sherloc (09022015). Collection method: clinical testing. Allele origin: germline.
Comment: This sequence change replaces valine, which is neutral and non-polar, with methionine, which is neutral and non-polar, at codon 341 of the IL21R protein (p.Val341Met). This variant is present in population databases (no rsID available, gnomAD 0.005%). This missense change has been observed in individual(s) with early-onset Crohn's disease (PMID: 26193622). ClinVar contains an entry for this variant (Variation ID: 862054). Invitae Evidence Modeling of protein sequence and biophysical properties (such as structural, functional, and spatial information, amino acid conservation, physicochemical variation, residue mobility, and thermodynamic stability) indicates that this missense variant is not expected to disrupt IL21R protein function with a negative predictive value of 80%. In summary, the available evidence is currently insufficient to determine the role of this variant in disease. Therefore, it has been classified as a Variant of Uncertain Significance.

Literature cited by the submitters: PubMed 26193622.